The following is an entry in ClinVar:

NM_000124.4(ERCC6):c.184G>A (p.Ala62Thr)

Gene: ERCC6 (ERCC excision repair 6, chromatin remodeling factor; minus strand). Cytogenetic location: 10q11.23.
Variant type: single nucleotide variant.
Coding change: c.184G>A on transcript NM_000124.4 (MANE Select); coding-DNA position 184, G replaced by A.
Protein change: p.Ala62Thr; replaces alanine 62 with threonine.
Molecular consequence: missense variant.
Genome position (GRCh38, 1-based): chr10:49,532,781, C>T on the plus strand (G>A on the coding strand, the complement: ERCC6 is on the minus strand). VCF-style: chr10-49532781-C-T. GRCh37 (hg19) VCF-style: chr10-50740827-C-T.
Other names: c.184G>A, p.Ala62Thr (NM_001277058.2, NM_001277059.2, NM_001346440.2); short protein forms A62T.
Identifiers: ClinVar variation 550120 (VCV000550120.4), dbSNP rs186839348, ClinGen allele CA5496604.

ClinVar aggregate classification (germline): Uncertain significance. Review status: criteria provided, single submitter (1 of 4 stars). 2 submissions from 2 submitters: Uncertain significance (1). 1 of the submissions does not count toward it. Last evaluated 2022-06-27.

Conditions:
DE SANCTIS-CACCHIONE SYNDROME. Identifiers: MedGen C0265201, MONDO:0010217, OMIM 278800.
Cerebrooculofacioskeletal syndrome 1 (COFS1). Also called: Cerebro-oculo-facio-skeletal syndrome 1. Identifiers: MedGen C0220722, MONDO:0008955, OMIM 214150.
Cockayne syndrome type 2 (CSB). Also called: COCKAYNE SYNDROME B; Cockayne Syndrome, Type II. Identifiers: Orphanet 191, Orphanet 90322, MedGen C0751038, MONDO:0019570, OMIM 133540.

Allele frequency attached by ClinVar (database versions not stated): gnomAD exomes 0.00001 and 0.00002; ExAC 0.00002; TOPMed 0.00002; gnomAD 0.00003; 1000 Genomes Project 30x 0.00016; 1000 Genomes Project 0.00020.
gnomAD v4.1: 32 of 1,614,222 alleles (0.002%); highest among the groups gnomAD compares: Middle Eastern, 0.016%; no homozygotes.

Submissions (2):

Labcorp Genetics (formerly Invitae), Labcorp
Classification: Uncertain significance. Last evaluated: 2022-06-27. Review status: criteria provided, single submitter. Criteria: Invitae Variant Classification Sherloc (09022015). Collection method: clinical testing. Allele origin: germline.
Comment: This sequence change replaces alanine, which is neutral and non-polar, with threonine, which is neutral and polar, at codon 62 of the ERCC6 protein (p.Ala62Thr). This variant is present in population databases (rs186839348, gnomAD 0.004%). This variant has not been reported in the literature in individuals affected with ERCC6-related conditions. ClinVar contains an entry for this variant (Variation ID: 550120). Algorithms developed to predict the effect of missense changes on protein structure and function output the following: SIFT: "Tolerated"; PolyPhen-2: "Benign"; Align-GVGD: "Class C0". The threonine amino acid residue is found in multiple mammalian species, which suggests that this missense change does not adversely affect protein function. In summary, the available evidence is currently insufficient to determine the role of this variant in disease. Therefore, it has been classified as a Variant of Uncertain Significance.

Counsyl
Classification: Uncertain significance for Cockayne syndrome type 2; Cerebrooculofacioskeletal syndrome 1; DE SANCTIS-CACCHIONE SYNDROME. Last evaluated: 2017-01-03. Review status: no assertion criteria provided. Collection method: clinical testing. Allele origin: unknown. Not counted in ClinVar's aggregate classification.